The following is an entry in ClinVar:

NM_016239.4(MYO15A):c.5379_5388delinsA (p.Met1793_Leu1796delinsIle)

Gene: MYO15A (myosin XVA; plus strand). Cytogenetic location: 17p11.2.
Variant type: Indel.
Coding change: c.5379_5388delinsA on transcript NM_016239.4 (MANE Select); coding-DNA positions 5379 to 5388, GCGTTGCCTG replaced by A.
Protein change: p.Met1793_Leu1796delinsIle.
Molecular consequence: inframe indel.
Genome position (GRCh38, 1-based): chr17:18,140,805-18,140,814, GCGTTGCCTG replaced by A. VCF-style: chr17-18140805-GCGTTGCCTG-A. GRCh37 (hg19) VCF-style: chr17-18044119-GCGTTGCCTG-A.
Identifiers: ClinVar variation 4087782 (VCV004087782.1).

ClinVar aggregate classification (germline): Uncertain significance (1 of 4 stars; one submission).

Conditions:
Monogenic hearing loss.

Submission:

Genetics Laboratory, Great Ormond Street Hospital NHS Foundation Trust, North Thames Genomic Laboratory Hub
Classification: Uncertain significance for Monogenic hearing loss. Last evaluated: 2025-08-01. Review status: criteria provided, single submitter. Criteria: ACGS Best Practice Guidelines for Variant Classification in Rare Disease 2024 v1.2. Collection method: clinical testing. Allele origin: germline. Affected: yes.
Comment: PM2_moderate, PM4_moderate, PM3_supporting